The following is an entry in ClinVar:

ClinVar aggregate classification (germline): Uncertain significance (1 of 4 stars; one submission).

Conditions:
Inborn genetic diseases. Identifiers: MedGen C0950123, MeSH D030342.

gnomAD v4.1: 1 of 1,614,062 alleles (0.000062%); highest among the groups gnomAD compares: Non-Finnish European, 0.000085%; no homozygotes.

Submission:

Ambry Genetics
Classification: Uncertain significance for Inborn genetic diseases. Last evaluated: 2026-04-12. Review status: criteria provided, single submitter. Criteria: Ambry Variant Classification Scheme 2023. Collection method: clinical testing. Allele origin: germline.
Comment: The p.W364R variant (also known as c.1090T>C), located in coding exon 5 of the SH2B3 gene, results from a T to C substitution at nucleotide position 1090. The tryptophan at codon 364 is replaced by arginine, an amino acid with dissimilar properties. This amino acid position is conserved. In addition, this alteration is predicted to be deleterious by in silico analysis. Based on the available evidence, the clinical significance of this variant remains unclear.

NM_005475.3(SH2B3):c.1090T>C (p.Trp364Arg)

Gene: SH2B3 (SH2B adaptor protein 3; plus strand). Cytogenetic location: 12q24.12.
Variant type: single nucleotide variant.
Coding change: c.1090T>C on transcript NM_005475.3 (MANE Select); coding-DNA position 1090, T replaced by C.
Protein change: p.Trp364Arg; replaces tryptophan 364 with arginine.
Molecular consequence: missense variant.
Genome position (GRCh38, 1-based): chr12:111,447,398, T>C. VCF-style: chr12-111447398-T-C. GRCh37 (hg19) VCF-style: chr12-111885202-T-C.
Other names: c.484T>C, p.Trp162Arg (NM_001291424.1); short protein forms W162R, W364R.
Identifiers: ClinVar variation 4864419 (VCV004864419.1).
Genomic context (GRCh38, chr12:111,447,398, plus strand): 5'-CCTGGGGGGCTGCTGGACCCGGCCTGCCAGAAGACGGACCATTTCCTGTCCTGCTACCCC[T>C]GGTTCCACGGCCCCATCTCCAGAGTGAAAGCAGCTCAGCTGGTTCAGCTGCAGGGCCCTG-3'
Protein context (NP_005466.1, residues 354-374): KTDHFLSCYP[Trp364Arg]FHGPISRVKA